The following is an entry in ClinVar:

NM_000051.4(ATM):c.8500T>A (p.Phe2834Ile)

Genes: ATM (ATM serine/threonine kinase; plus strand), C11orf65 (chromosome 11 open reading frame 65; minus strand). Cytogenetic location: 11q22.3.
Variant type: single nucleotide variant.
Coding change: c.8500T>A on transcript NM_000051.4 (MANE Select); coding-DNA position 8500, T replaced by A.
Protein change: p.Phe2834Ile; replaces phenylalanine 2834 with isoleucine.
Molecular consequence: missense variant. On other transcripts: intron variant (2).
Genome position (GRCh38, 1-based): chr11:108,345,824, T>A. VCF-style: chr11-108345824-T-A. GRCh37 (hg19) VCF-style: chr11-108216551-T-A.
Other names: c.8500T>A, p.Phe2834Ile (NM_001351834.2); c.641-36753A>T (NM_001330368.2); c.695-10532A>T (NM_001351110.2); short protein forms F2834I.
Identifiers: ClinVar variation 822520 (VCV000822520.50), dbSNP rs1591264768, ClinGen allele CA382518142.
Genomic context (GRCh38, chr11:108,345,824, plus strand): 5'-GAAGAGAAATATGAAGTCTTCATGGATGTTTGCCAAAATTTTCAACCAGTTTTCCGTTAC[T>A]TCTGCATGGAAAAATTCTTGGATCCAGCTATTTGGTTTGAGAAGCGATTGGCTTATACGC-3'
Protein context (NP_000042.3, residues 2824-2844): CQNFQPVFRY[Phe2834Ile]CMEKFLDPAI

ClinVar aggregate classification (germline): Uncertain significance. Review status: criteria provided, multiple submitters, no conflicts (2 of 4 stars). 2 submissions from 2 submitters: Uncertain significance (2). Last evaluated 2025-08-09.

Conditions:
Hereditary cancer-predisposing syndrome. Also called: Tumor predisposition; Neoplastic Syndromes, Hereditary; Hereditary Cancer Syndrome; Hereditary neoplastic syndrome. Identifiers: Orphanet 140162, MedGen C0027672, MeSH D009386, MONDO:0015356.
Ataxia-telangiectasia syndrome (AT). Also called: ATAXIA-TELANGIECTASIA, COMPLEMENTATION GROUP A; ATAXIA-TELANGIECTASIA, FRESNO VARIANT; Ataxia-telangiectasia; Ataxia-telangiectasia, complementation group D; AT, COMPLEMENTATION GROUP C; Ataxia-telangiectasia, complementation group E. Identifiers: Orphanet 100, MedGen C0004135, MONDO:0008840, OMIM 208900.

Submissions (2):

Ambry Genetics
Classification: Uncertain significance for Hereditary cancer-predisposing syndrome. Last evaluated: 2025-08-09. Review status: criteria provided, single submitter. Criteria: Ambry Variant Classification Scheme 2023. Collection method: clinical testing. Allele origin: germline.
Comment: The p.F2834I variant (also known as c.8500T>A), located in coding exon 57 of the ATM gene, results from a T to A substitution at nucleotide position 8500. The phenylalanine at codon 2834 is replaced by isoleucine, an amino acid with highly similar properties. This amino acid position is highly conserved in available vertebrate species. In addition, this alteration is predicted to be deleterious by in silico analysis. Since supporting evidence is limited at this time, the clinical significance of this alteration remains unclear.

Labcorp Genetics (formerly Invitae), Labcorp
Classification: Uncertain significance for Ataxia-telangiectasia syndrome. Last evaluated: 2021-08-28. Review status: criteria provided, single submitter. Criteria: Invitae Variant Classification Sherloc (09022015). Collection method: clinical testing. Allele origin: germline.
Comment: This sequence change replaces phenylalanine with isoleucine at codon 2834 of the ATM protein (p.Phe2834Ile). The phenylalanine residue is highly conserved and there is a small physicochemical difference between phenylalanine and isoleucine. This variant is not present in population databases (ExAC no frequency). This variant has not been reported in the literature in individuals affected with ATM-related conditions. Algorithms developed to predict the effect of missense changes on protein structure and function are either unavailable or do not agree on the potential impact of this missense change (SIFT: "Deleterious"; PolyPhen-2: "Probably Damaging"; Align-GVGD: "Class C15"). In summary, the available evidence is currently insufficient to determine the role of this variant in disease. Therefore, it has been classified as a Variant of Uncertain Significance.